The following is an entry in ClinVar:

NM_001457.4(FLNB):c.292+1G>T

Gene: FLNB (filamin B; plus strand). Cytogenetic location: 3p14.3.
Variant type: single nucleotide variant.
Coding change: c.292+1G>T on transcript NM_001457.4 (MANE Select); the canonical splice donor site of the intron after coding-DNA position 292, G replaced by T.
Molecular consequence: splice donor variant.
Genome position (GRCh38, 1-based): chr3:58,008,857, G>T. VCF-style: chr3-58008857-G-T. GRCh37 (hg19) VCF-style: chr3-57994584-G-T.
Other names: c.292+1G>T (NM_001164317.2, NM_001164318.2, NM_001164319.2).
Identifiers: ClinVar variation 1929636 (VCV001929636.5), dbSNP rs2477195648, ClinGen allele CA353413414.

ClinVar aggregate classification (germline): Likely pathogenic (1 of 4 stars; one submission).

Submission:

Labcorp Genetics (formerly Invitae), Labcorp
Classification: Likely pathogenic. Last evaluated: 2022-08-23. Review status: criteria provided, single submitter. Criteria: Invitae Variant Classification Sherloc (09022015). Collection method: clinical testing. Allele origin: germline.
Comment: In summary, the currently available evidence indicates that the variant is pathogenic, but additional data are needed to prove that conclusively. Therefore, this variant has been classified as Likely Pathogenic. Algorithms developed to predict the effect of sequence changes on RNA splicing suggest that this variant may disrupt the consensus splice site. This variant has not been reported in the literature in individuals affected with FLNB-related conditions. This variant is not present in population databases (gnomAD no frequency). This sequence change affects a donor splice site in intron 1 of the FLNB gene. It is expected to disrupt RNA splicing. Variants that disrupt the donor or acceptor splice site typically lead to a loss of protein function (PMID: 16199547), and loss-of-function variants in FLNB are known to be pathogenic (PMID: 14991055).

Literature cited by the submitters: PubMed 16199547; PubMed 14991055.